The following is an entry in ClinVar:

NM_005477.3(HCN4):c.334_348dup (p.Gly116_Ser117insGlyThrGlySerGly)

Gene: HCN4 (hyperpolarization activated cyclic nucleotide gated potassium channel 4; minus strand). Cytogenetic location: 15q24.1.
Variant type: Duplication.
Coding change: c.334_348dup on transcript NM_005477.3 (MANE Select); coding-DNA positions 334 to 348, 15 bases duplicated (GGCACGGGGAGCGGC).
Protein change: p.Gly116_Ser117insGlyThrGlySerGly.
Genome position (GRCh38, 1-based): chr15:73,367,923-73,367,937, GCCGCTCCCCGTGCC duplicated on the plus strand (GGCACGGGGAGCGGC on the coding strand, the reverse complement: HCN4 is on the minus strand); duplicating any 15 consecutive bases within chr15:73,367,923-73,367,943 gives the same sequence; the c. name uses the placement nearest the transcript's 3' end. VCF-style (leftmost placement, unchanged base first): chr15-73367922-T-TGCCGCTCCCCGTGCC. GRCh37 (hg19) VCF-style: chr15-73660263-T-TGCCGCTCCCCGTGCC.
Identifiers: ClinVar variation 3717289 (VCV003717289.2).

ClinVar aggregate classification (germline): Uncertain significance (1 of 4 stars; one submission).

Conditions:
Brugada syndrome 8 (BRGDA8). Identifiers: Orphanet 130, MedGen C2751083, MONDO:0013148, OMIM 613123.

Submission:

Labcorp Genetics (formerly Invitae), Labcorp
Classification: Uncertain significance for Brugada syndrome 8. Last evaluated: 2024-04-08. Review status: criteria provided, single submitter. Criteria: Invitae Variant Classification Sherloc (09022015). Collection method: clinical testing. Allele origin: germline.
Comment: This variant, c.334_348dup, results in the insertion of 5 amino acid(s) of the HCN4 protein (p.Gly112_Gly116dup), but otherwise preserves the integrity of the reading frame. This variant is not present in population databases (gnomAD no frequency). This variant has not been reported in the literature in individuals affected with HCN4-related conditions. In summary, the available evidence is currently insufficient to determine the role of this variant in disease. Therefore, it has been classified as a Variant of Uncertain Significance.